The following is an entry in ClinVar:

NM_002049.4(GATA1):c.210_220+1del

Gene: GATA1 (GATA binding protein 1; plus strand). Cytogenetic location: Xp11.23.
Variant type: Deletion.
Coding change: c.210_220+1del on transcript NM_002049.4 (MANE Select); coding-DNA position 210 through the canonical splice donor site of the intron after coding-DNA position 220, 12 bases deleted (ACACTCCCCAGG).
Molecular consequence: splice donor variant.
Genome position (GRCh38, 1-based): chrX:48,791,319-48,791,330, ACACTCCCCAGG deleted; deleting any 12 consecutive bases within chrX:48,791,318-48,791,330 gives the same sequence; the c. name uses the placement nearest the transcript's 3' end. VCF-style (leftmost placement, unchanged base first): chrX-48791317-AGACACTCCCCAG-A. GRCh37 (hg19) VCF-style: chrX-48649724-AGACACTCCCCAG-A.
Identifiers: ClinVar variation 3346921 (VCV003346921.1).
Genomic context (GRCh38, chrX:48,791,317, plus strand): 5'-CCGAGCACAGCCACCGCTGCAGCTGCGGCACTGGCCTACTACAGGGACGCTGAGGCCTAC[AGACACTCCCCAG>A]GTAACTCCATTGAGTGGCTGTCTTGGCATTGGCTGAGTGCTGTTGGGGTTGCCATGGAGA-3'

ClinVar aggregate classification (germline): Likely pathogenic (0 of 4 stars; one submission).

Conditions:
GATA1-related disorder. Also called: GATA1-related condition.

Submission:

PreventionGenetics, part of Exact Sciences
Classification: Likely pathogenic for GATA1-related condition. Last evaluated: 2024-09-19. Review status: no assertion criteria provided. Collection method: clinical testing. Allele origin: germline.
Comment: The GATA1 c.210_220+1del12 variant is predicted to result in a deletion affecting a canonical splice site. To our knowledge, this variant has not been reported in the literature or in a large population database, indicating this variant is rare. This variant is interpreted as likely pathogenic.